The following is an entry in ClinVar:

ClinVar aggregate classification (germline): Uncertain significance (1 of 4 stars; one submission).

Conditions:
Hereditary cancer-predisposing syndrome. Also called: Hereditary neoplastic syndrome; Neoplastic Syndromes, Hereditary; Tumor predisposition; Hereditary Cancer Syndrome. Identifiers: Orphanet 140162, MedGen C0027672, MeSH D009386, MONDO:0015356.

Submission:

Ambry Genetics
Classification: Uncertain significance for Hereditary cancer-predisposing syndrome. Last evaluated: 2025-08-27. Review status: criteria provided, single submitter. Criteria: Ambry Variant Classification Scheme 2023. Collection method: clinical testing. Allele origin: germline.
Comment: The p.Q314P variant (also known as c.941A>C), located in coding exon 11 of the MUTYH gene, results from an A to C substitution at nucleotide position 941. The glutamine at codon 314 is replaced by proline, an amino acid with similar properties. This amino acid position is conserved. In addition, this alteration is predicted to be tolerated by in silico analysis. Based on the available evidence, the clinical significance of this variant remains unclear.

NM_001048174.2(MUTYH):c.857A>C (p.Gln286Pro)

Gene: MUTYH (mutY DNA glycosylase; minus strand). Cytogenetic location: 1p34.1.
Variant type: single nucleotide variant.
Coding change: c.857A>C on transcript NM_001048174.2 (MANE Select); coding-DNA position 857, A replaced by C.
Protein change: p.Gln286Pro; replaces glutamine 286 with proline.
Molecular consequence: missense variant. On other transcripts: non-coding transcript variant (7).
Genome position (GRCh38, 1-based): chr1:45,332,079, T>G on the plus strand (A>C on the coding strand, the complement: MUTYH is on the minus strand). VCF-style: chr1-45332079-T-G. GRCh37 (hg19) VCF-style: chr1-45797751-T-G.
Other names: c.902A>C, p.Gln301Pro (NM_001293190.2); c.890A>C, p.Gln297Pro (NM_001293191.2, NM_001407069.1, NM_001407077.1); c.581A>C, p.Gln194Pro (NM_001293192.2, NM_001293196.2, NM_001407091.1); c.857A>C, p.Gln286Pro (NM_001293195.2, NM_001407073.1, NM_001407070.1 and 6 more transcripts); c.512A>C, p.Gln171Pro (NM_001350650.2, NM_001350651.2, NM_001407082.1); c.773A>C, p.Gln258Pro (NM_001407075.1); c.860A>C, p.Gln287Pro (NM_001407071.1, NM_001048172.2, NM_001407078.1 and 1 more transcripts); c.941A>C, p.Gln314Pro (NM_001128425.2); and 5 more; short protein forms Q273P, Q293P, Q301P, Q311P, Q314P, Q171P, Q194P, Q272P.
Identifiers: ClinVar variation 4113925 (VCV004113925.1).
Genomic context (GRCh38, chr1:45,332,079, plus strand): 5'-TCACCACACTCCTCCACGTCAGGACTGCCCGACAGGCTCCCTGAGGCTAAGAGCTGTTCC[T>G]GCTCCACCTGAGAGGCACAGGGTTGAGTGTCATAGGGCAGAGTCACTCCTTAGGACTTCT-3'
Protein context (NP_001041639.1, residues 276-296): SLCRARQRVE[Gln286Pro]EQLLASGSLS